The following is an entry in ClinVar:

NM_004369.4(COL6A3):c.2030G>T (p.Arg677Leu)

Gene: COL6A3 (collagen type VI alpha 3 chain; minus strand). Cytogenetic location: 2q37.3.
Variant type: single nucleotide variant.
Coding change: c.2030G>T on transcript NM_004369.4 (MANE Select); coding-DNA position 2030, G replaced by T.
Protein change: p.Arg677Leu; replaces arginine 677 with leucine.
Molecular consequence: missense variant. On other transcripts: intron variant (1).
Genome position (GRCh38, 1-based): chr2:237,379,103, C>A on the plus strand (G>T on the coding strand, the complement: COL6A3 is on the minus strand). VCF-style: chr2-237379103-C-A. GRCh37 (hg19) VCF-style: chr2-238287746-C-A.
Other names: c.2030G>T (NM_004369.3); c.809G>T, p.Arg270Leu (NM_057164.5); c.1412G>T, p.Arg471Leu (NM_057165.5, NM_057167.4); c.677-1759G>T (NM_057166.5); short protein forms R677L, R270L, R471L.
Identifiers: ClinVar variation 288417 (VCV000288417.13), dbSNP rs35227432, ClinGen allele CA10606078.

ClinVar aggregate classification (germline): Uncertain significance. Review status: criteria provided, multiple submitters, no conflicts (2 of 4 stars). 4 submissions from 4 submitters: Uncertain significance (4). Last evaluated 2025-08-06.

Conditions:
Bethlem myopathy 1A. Also called: Bethlem Muscular Dystrophy; MYOPATHY, BENIGN CONGENITAL, WITH CONTRACTURES; Bethlem myopathy 1. Identifiers: Orphanet 610, MedGen CN029274, MONDO:0024530, OMIM 158810.

Allele frequency attached by ClinVar (database versions not stated): TOPMed 0.00001.
gnomAD v4.1: 28 of 1,614,066 alleles (0.0017%); highest among the groups gnomAD compares: Non-Finnish European, 0.0022%; no homozygotes.

Submissions (4):

Labcorp Genetics (formerly Invitae), Labcorp
Classification: Uncertain significance for Bethlem myopathy 1A. Last evaluated: 2025-08-06. Review status: criteria provided, single submitter. Criteria: Invitae Variant Classification Sherloc (09022015). Collection method: clinical testing. Allele origin: germline.
Comment: This sequence change replaces arginine, which is basic and polar, with leucine, which is neutral and non-polar, at codon 677 of the COL6A3 protein (p.Arg677Leu). This variant is present in population databases (rs35227432, gnomAD 0.0009%). This variant has not been reported in the literature in individuals affected with COL6A3-related conditions. ClinVar contains an entry for this variant (Variation ID: 288417). Invitae Evidence Modeling of protein sequence and biophysical properties (such as structural, functional, and spatial information, amino acid conservation, physicochemical variation, residue mobility, and thermodynamic stability) indicates that this missense variant is not expected to disrupt COL6A3 protein function with a negative predictive value of 95%. In summary, the available evidence is currently insufficient to determine the role of this variant in disease. Therefore, it has been classified as a Variant of Uncertain Significance.

GeneDx
Classification: Uncertain significance. Last evaluated: 2025-04-26. Review status: criteria provided, single submitter. Criteria: GeneDx Variant Classification Process June 2021. Collection method: clinical testing. Allele origin: germline. Affected: yes.
Comment: Not observed at significant frequency in large population cohorts (gnomAD); In silico analysis supports that this missense variant has a deleterious effect on protein structure/function; Has not been previously published as pathogenic or benign to our knowledge; This variant is associated with the following publications: (PMID: 30564623)

Revvity Omics, Revvity
Classification: Uncertain significance. Last evaluated: 2019-12-27. Review status: criteria provided, single submitter. Criteria: ACMG Guidelines, 2015. Collection method: clinical testing. Allele origin: germline.

Eurofins Ntd Llc (ga)
Classification: Uncertain significance. Last evaluated: 2016-06-01. Review status: criteria provided, single submitter. Criteria: EGL Classification Definitions 2015. Collection method: clinical testing. Allele origin: germline. Observed: 1 variant allele, 1 heterozygote.